The following is an entry in ClinVar:

ClinVar aggregate classification (germline): Uncertain significance. Review status: criteria provided, multiple submitters, no conflicts (2 of 4 stars). 3 submissions from 3 submitters: Uncertain significance (3). Last evaluated 2024-10-22.

Conditions:
Inborn genetic diseases. Identifiers: MedGen C0950123, MeSH D030342.

Allele frequency attached by ClinVar (database versions not stated): gnomAD exomes below 0.00001; TOPMed 0.00003; gnomAD 0.00009 and 0.00010.
gnomAD v4.1: 14 of 1,316,242 alleles (0.0011%); highest among the groups gnomAD compares: African/African-American, 0.022%; no homozygotes.

Submissions (3):

Labcorp Genetics (formerly Invitae), Labcorp
Classification: Uncertain significance. Last evaluated: 2024-10-22. Review status: criteria provided, single submitter. Criteria: Invitae Variant Classification Sherloc (09022015). Collection method: clinical testing. Allele origin: germline.
Comment: This sequence change replaces alanine, which is neutral and non-polar, with serine, which is neutral and polar, at codon 20 of the LAMC3 protein (p.Ala20Ser). This variant is present in population databases (no rsID available, gnomAD 0.06%). This variant has not been reported in the literature in individuals affected with LAMC3-related conditions. ClinVar contains an entry for this variant (Variation ID: 1304792). Experimental studies and prediction algorithms are not available or were not evaluated, and the functional significance of this variant is currently unknown. In summary, the available evidence is currently insufficient to determine the role of this variant in disease. Therefore, it has been classified as a Variant of Uncertain Significance.

Ambry Genetics
Classification: Uncertain significance for Inborn genetic diseases. Last evaluated: 2024-05-09. Review status: criteria provided, single submitter. Criteria: Ambry Variant Classification Scheme 2023. Collection method: clinical testing. Allele origin: germline.

GeneDx
Classification: Uncertain significance. Last evaluated: 2020-10-19. Review status: criteria provided, single submitter. Criteria: GeneDx Variant Classification Process June 2021. Collection method: clinical testing. Allele origin: germline. Affected: yes.
Comment: Has not been previously published as pathogenic or benign to our knowledge; In silico analysis supports that this missense variant does not alter protein structure/function

NM_006059.4(LAMC3):c.58G>T (p.Ala20Ser)

Gene: LAMC3 (laminin subunit gamma 3; plus strand). Cytogenetic location: 9q34.12.
Variant type: single nucleotide variant.
Coding change: c.58G>T on transcript NM_006059.4 (MANE Select); coding-DNA position 58, G replaced by T.
Protein change: p.Ala20Ser; replaces alanine 20 with serine.
Molecular consequence: missense variant.
Genome position (GRCh38, 1-based): chr9:131,009,272, G>T. VCF-style: chr9-131009272-G-T. GRCh37 (hg19) VCF-style: chr9-133884659-G-T.
Other names: short protein forms A20S.
Identifiers: ClinVar variation 1304792 (VCV001304792.7), dbSNP rs1052741862, ClinGen allele CA200659082.